The following is an entry in ClinVar:

NM_172364.5(CACNA2D4):c.2231C>A (p.Ala744Asp)

Gene: CACNA2D4 (calcium voltage-gated channel auxiliary subunit alpha2delta 4; minus strand). Cytogenetic location: 12p13.33.
Variant type: single nucleotide variant.
Coding change: c.2231C>A on transcript NM_172364.5 (MANE Select); coding-DNA position 2231, C replaced by A.
Protein change: p.Ala744Asp; replaces alanine 744 with aspartic acid.
Molecular consequence: missense variant.
Genome position (GRCh38, 1-based): chr12:1,853,966, G>T on the plus strand (C>A on the coding strand, the complement: CACNA2D4 is on the minus strand). VCF-style: chr12-1853966-G-T. GRCh37 (hg19) VCF-style: chr12-1963132-G-T.
Other names: short protein forms A744D.
Identifiers: ClinVar variation 1994670 (VCV001994670.4), dbSNP rs747069756, ClinGen allele CA6386796.

ClinVar aggregate classification (germline): Uncertain significance (1 of 4 stars; one submission).

Allele frequency attached by ClinVar (database versions not stated): gnomAD exomes below 0.00001; TOPMed below 0.00001; ExAC 0.00001.
gnomAD v4.1: 1 of 1,613,166 alleles (0.000062%); highest among the groups gnomAD compares: Non-Finnish European, 0.000085%; no homozygotes.

Submission:

Labcorp Genetics (formerly Invitae), Labcorp
Classification: Uncertain significance. Last evaluated: 2022-11-08. Review status: criteria provided, single submitter. Criteria: Invitae Variant Classification Sherloc (09022015). Collection method: clinical testing. Allele origin: germline.
Comment: This sequence change replaces alanine, which is neutral and non-polar, with aspartic acid, which is acidic and polar, at codon 744 of the CACNA2D4 protein (p.Ala744Asp). The frequency data for this variant in the population databases is considered unreliable, as metrics indicate poor data quality at this position in the gnomAD database. This variant has not been reported in the literature in individuals affected with CACNA2D4-related conditions. Algorithms developed to predict the effect of missense changes on protein structure and function are either unavailable or do not agree on the potential impact of this missense change (SIFT: "Deleterious"; PolyPhen-2: "Benign"; Align-GVGD: "Class C0"). In summary, the available evidence is currently insufficient to determine the role of this variant in disease. Therefore, it has been classified as a Variant of Uncertain Significance.